The following is an entry in ClinVar:

ClinVar aggregate classification (germline): Uncertain significance (1 of 4 stars; one submission).

Submission:

Labcorp Genetics (formerly Invitae), Labcorp
Classification: Uncertain significance. Last evaluated: 2022-07-17. Review status: criteria provided, single submitter. Criteria: Invitae Variant Classification Sherloc (09022015). Collection method: clinical testing. Allele origin: germline.
Comment: In summary, the available evidence is currently insufficient to determine the role of this variant in disease. Therefore, it has been classified as a Variant of Uncertain Significance. Algorithms developed to predict the effect of missense changes on protein structure and function are either unavailable or do not agree on the potential impact of this missense change (SIFT: "Deleterious"; PolyPhen-2: "Possibly Damaging"; Align-GVGD: "Class C0"). This variant has not been reported in the literature in individuals affected with COL10A1-related conditions. This variant is not present in population databases (gnomAD no frequency). This sequence change replaces glutamine, which is neutral and polar, with lysine, which is basic and polar, at codon 579 of the COL10A1 protein (p.Gln579Lys).

NM_000493.4(COL10A1):c.1735C>A (p.Gln579Lys)

Genes: COL10A1 (collagen type X alpha 1 chain; minus strand), NT5DC1 (5'-nucleotidase domain containing 1; plus strand). Cytogenetic location: 6q22.1.
Variant type: single nucleotide variant.
Coding change: c.1735C>A on transcript NM_000493.4 (MANE Select); coding-DNA position 1735, C replaced by A.
Protein change: p.Gln579Lys; replaces glutamine 579 with lysine.
Molecular consequence: missense variant. On other transcripts: intron variant (1).
Genome position (GRCh38, 1-based): chr6:116,120,381, G>T on the plus strand (C>A on the coding strand, the complement: COL10A1 is on the minus strand). VCF-style: chr6-116120381-G-T. GRCh37 (hg19) VCF-style: chr6-116441544-G-T.
Other names: c.1735C>A, p.Gln579Lys (NM_001424106.1, NM_001424107.1); c.529+2436G>T (NM_152729.3); short protein forms Q579K.
Identifiers: ClinVar variation 1717198 (VCV001717198.6), dbSNP rs2534084849, ClinGen allele CA365387048.